The following is an entry in ClinVar:

NM_001625.4(AK2):c.455A>G (p.Tyr152Cys)

Gene: AK2 (adenylate kinase 2; minus strand). Cytogenetic location: 1p35.1.
Variant type: single nucleotide variant.
Coding change: c.455A>G on transcript NM_001625.4 (MANE Select); coding-DNA position 455, A replaced by G.
Protein change: p.Tyr152Cys; replaces tyrosine 152 with cysteine.
Molecular consequence: missense variant. On other transcripts: synonymous variant (1), non-coding transcript variant (1).
Genome position (GRCh38, 1-based): chr1:33,014,565, T>C on the plus strand (A>G on the coding strand, the complement: AK2 is on the minus strand). VCF-style: chr1-33014565-T-C. GRCh37 (hg19) VCF-style: chr1-33480166-T-C.
Other names: c.431A>G, p.Tyr144Cys (NM_001199199.3); c.311A>G, p.Tyr104Cys (NM_001319139.3, NM_001319140.2); c.455A>G, p.Tyr152Cys (NM_001319141.3, NM_013411.5); c.329A>G, p.Tyr110Cys (NM_001319142.3); c.360A>G, p.Leu120= (NM_001319143.2); short protein forms Y104C, Y110C, Y144C, Y152C.
Identifiers: ClinVar variation 3355344 (VCV003355344.2).

ClinVar aggregate classification (germline): Uncertain significance. Review status: criteria provided, single submitter (1 of 4 stars). 2 submissions from 2 submitters: Uncertain significance (1). 1 of the submissions does not count toward it. Last evaluated 2025-09-26.

Conditions:
AK2-related disorder. Also called: AK2-related condition.
Inborn genetic diseases. Identifiers: MedGen C0950123, MeSH D030342.

gnomAD v4.1: 9 of 1,612,440 alleles (0.00056%); highest among the groups gnomAD compares: South Asian, 0.0077%; no homozygotes.

Submissions (2):

Ambry Genetics
Classification: Uncertain significance for Inborn genetic diseases. Last evaluated: 2025-09-26. Review status: criteria provided, single submitter. Criteria: Ambry Variant Classification Scheme 2023. Collection method: clinical testing. Allele origin: germline.

PreventionGenetics, part of Exact Sciences
Classification: Uncertain significance for AK2-related condition. Last evaluated: 2024-04-14. Review status: no assertion criteria provided. Collection method: clinical testing. Allele origin: germline. Not counted in ClinVar's aggregate classification.
Comment: The AK2 c.455A>G variant is predicted to result in the amino acid substitution p.Tyr152Cys. To our knowledge, this variant has not been reported in the literature. This variant is reported in 0.0065% of alleles in individuals of South Asian descent in gnomAD. At this time, the clinical significance of this variant is uncertain due to the absence of conclusive functional and genetic evidence.